The following is an entry in ClinVar:

ClinVar aggregate classification (germline): Uncertain significance. Review status: criteria provided, multiple submitters, no conflicts (2 of 4 stars). 2 submissions from 2 submitters: Uncertain significance (2). Last evaluated 2025-01-14.

Conditions:
Hereditary cancer-predisposing syndrome. Also called: Tumor predisposition; Neoplastic Syndromes, Hereditary; Hereditary Cancer Syndrome; Hereditary neoplastic syndrome. Identifiers: Orphanet 140162, MedGen C0027672, MeSH D009386, MONDO:0015356.
POLD1-related polyposis and colorectal cancer syndrome (CRCS10). Also called: Colorectal cancer 10; COLORECTAL CANCER, SUSCEPTIBILITY TO, ON CHROMOSOME 19q; Colorectal cancer, susceptibility to, 10. Identifiers: Orphanet 220460, MedGen C2675481, MONDO:0012953, OMIM 612591.

Submissions (2):

Ambry Genetics
Classification: Uncertain significance for Hereditary cancer-predisposing syndrome. Last evaluated: 2025-01-14. Review status: criteria provided, single submitter. Criteria: Ambry Variant Classification Scheme 2023. Collection method: clinical testing. Allele origin: germline.
Comment: The p.C428F variant (also known as c.1283G>T), located in coding exon 10 of the POLD1 gene, results from a G to T substitution at nucleotide position 1283. The cysteine at codon 428 is replaced by phenylalanine, an amino acid with highly dissimilar properties. This amino acid position is conserved. In addition, this alteration is predicted to be tolerated by in silico analysis. Based on the available evidence, the clinical significance of this variant remains unclear.

Labcorp Genetics (formerly Invitae), Labcorp
Classification: Uncertain significance for POLD1-related polyposis and colorectal cancer syndrome. Last evaluated: 2024-08-22. Review status: criteria provided, single submitter. Criteria: Invitae Variant Classification Sherloc (09022015). Collection method: clinical testing. Allele origin: germline.
Comment: This sequence change replaces cysteine, which is neutral and slightly polar, with phenylalanine, which is neutral and non-polar, at codon 428 of the POLD1 protein (p.Cys428Phe). This variant is not present in population databases (gnomAD no frequency). This variant has not been reported in the literature in individuals affected with POLD1-related conditions. Invitae Evidence Modeling of protein sequence and biophysical properties (such as structural, functional, and spatial information, amino acid conservation, physicochemical variation, residue mobility, and thermodynamic stability) indicates that this missense variant is not expected to disrupt POLD1 protein function with a negative predictive value of 80%. In summary, the available evidence is currently insufficient to determine the role of this variant in disease. Therefore, it has been classified as a Variant of Uncertain Significance.

NM_002691.4(POLD1):c.1283G>T (p.Cys428Phe)

Gene: POLD1 (DNA polymerase delta 1, catalytic subunit; plus strand). Cytogenetic location: 19q13.33.
Variant type: single nucleotide variant.
Coding change: c.1283G>T on transcript NM_002691.4 (MANE Select); coding-DNA position 1283, G replaced by T.
Protein change: p.Cys428Phe; replaces cysteine 428 with phenylalanine.
Molecular consequence: missense variant. On other transcripts: non-coding transcript variant (1).
Genome position (GRCh38, 1-based): chr19:50,406,222, G>T. VCF-style: chr19-50406222-G-T. GRCh37 (hg19) VCF-style: chr19-50909479-G-T.
Other names: c.1283G>T, p.Cys428Phe (NM_001256849.1, NM_001308632.1); c.1283G>T (NM_002691.2); short protein forms C428F.
Identifiers: ClinVar variation 3008491 (VCV003008491.3), dbSNP rs2122317419, ClinGen allele CA406979790.